The following is an entry in ClinVar:

ClinVar aggregate classification (germline): Likely pathogenic. Review status: criteria provided, single submitter (1 of 4 stars). 2 submissions from 2 submitters: Likely pathogenic (1). 1 of the submissions does not count toward it. Last evaluated 2023-08-25.

Conditions:
Tuberous sclerosis syndrome (TSC). Also called: Tuberous Sclerosis Complex; Tuberous sclerosis. Identifiers: Orphanet 805, MedGen C0041341, MONDO:0001734.
Tuberous sclerosis 2 (TSC2). Identifiers: Orphanet 805, MedGen C1860707, MONDO:0013199, OMIM 613254.

Submissions (2):

Greenwood Genetic Center Diagnostic Laboratories, Greenwood Genetic Center
Classification: Likely pathogenic for Tuberous sclerosis 2. Last evaluated: 2023-08-25. Review status: criteria provided, single submitter. Criteria: ACMG Guidelines, 2015. Collection method: clinical testing. Allele origin: germline. Affected: yes.
Comment: PP3, PM1, PM2, PM5, PM6

Tuberous sclerosis database (TSC2)
No classification provided. Condition: TSC. Review status: no classification provided. Criteria: Tuberous Sclerosis Database Assertion Criteria 2015. Collection method: curation. Allele origin: germline. Affected: yes. Not counted in ClinVar's aggregate classification.

NM_000548.5(TSC2):c.5228G>T (p.Arg1743Leu)

Gene: TSC2 (TSC complex subunit 2; plus strand). Cytogenetic location: 16p13.3.
Variant type: single nucleotide variant.
Coding change: c.5228G>T on transcript NM_000548.5 (MANE Select); coding-DNA position 5228, G replaced by T.
Protein change: p.Arg1743Leu; replaces arginine 1743 with leucine.
Molecular consequence: missense variant.
Genome position (GRCh38, 1-based): chr16:2,088,294, G>T. VCF-style: chr16-2088294-G-T. GRCh37 (hg19) VCF-style: chr16-2138295-G-T.
Other names: c.5027G>T, p.Arg1676Leu (NM_001077183.3); c.5159G>T, p.Arg1720Leu (NM_001114382.3); c.4919G>T, p.Arg1640Leu (NM_001318827.2); c.4883G>T, p.Arg1628Leu (NM_001318829.2); c.4496G>T, p.Arg1499Leu (NM_001318831.2); c.5060G>T, p.Arg1687Leu (NM_001318832.2); c.5030G>T, p.Arg1677Leu (NM_001363528.2); c.5096G>T, p.Arg1699Leu (NM_001370404.1); and 2 more; short protein forms R1743L, R1499L, R1640L, R1676L, R1720L, R1677L, R1687L, R1699L.
Identifiers: ClinVar variation 65291 (VCV000065291.7), dbSNP rs45507199, ClinGen allele CA022229.